The following is an entry in ClinVar:

ClinVar aggregate classification (germline): Uncertain significance (1 of 4 stars; one submission).

Submission:

GeneDx
Classification: Uncertain significance. Last evaluated: 2025-04-02. Review status: criteria provided, single submitter. Criteria: GeneDx Variant Classification Process June 2021. Collection method: clinical testing. Allele origin: germline. Affected: yes.
Comment: Not observed at significant frequency in large population cohorts (gnomAD); In silico analysis indicates that this missense variant does not alter protein structure/function; Has not been previously published as pathogenic or benign to our knowledge

NM_052867.4(NALCN):c.539G>C (p.Ser180Thr)

Gene: NALCN (sodium leak channel, non-selective; minus strand). Cytogenetic location: 13q33.1.
Variant type: single nucleotide variant.
Coding change: c.539G>C on transcript NM_052867.4 (MANE Select); coding-DNA position 539, G replaced by C.
Protein change: p.Ser180Thr; replaces serine 180 with threonine.
Molecular consequence: missense variant.
Genome position (GRCh38, 1-based): chr13:101,376,805, C>G on the plus strand (G>C on the coding strand, the complement: NALCN is on the minus strand). VCF-style: chr13-101376805-C-G. GRCh37 (hg19) VCF-style: chr13-102029156-C-G.
Other names: c.539G>C, p.Ser180Thr (NM_001350748.2, NM_001350749.2, NM_001350750.2 and 1 more transcripts); short protein forms S180T.
Identifiers: ClinVar variation 4278752 (VCV004278752.1).